The following is an entry in ClinVar:

NM_000094.4(COL7A1):c.7009C>T (p.Pro2337Ser)

Gene: COL7A1 (collagen type VII alpha 1 chain; minus strand). Cytogenetic location: 3p21.31.
Variant type: single nucleotide variant.
Coding change: c.7009C>T on transcript NM_000094.4 (MANE Select); coding-DNA position 7009, C replaced by T.
Protein change: p.Pro2337Ser; replaces proline 2337 with serine.
Molecular consequence: missense variant.
Genome position (GRCh38, 1-based): chr3:48,572,141, G>A on the plus strand (C>T on the coding strand, the complement: COL7A1 is on the minus strand). VCF-style: chr3-48572141-G-A. GRCh37 (hg19) VCF-style: chr3-48609574-G-A.
Other names: short protein forms P2337S.
Identifiers: ClinVar variation 4005585 (VCV004005585.2).

ClinVar aggregate classification (germline): Uncertain significance. Review status: criteria provided, multiple submitters, no conflicts (2 of 4 stars). 2 submissions from 2 submitters: Uncertain significance (2). Last evaluated 2025-12-25.

Conditions:
Inborn genetic diseases. Identifiers: MedGen C0950123, MeSH D030342.

Submissions (2):

Labcorp Genetics (formerly Invitae), Labcorp
Classification: Uncertain significance. Last evaluated: 2025-12-25. Review status: criteria provided, single submitter. Criteria: Invitae Variant Classification Sherloc (09022015). Collection method: clinical testing. Allele origin: germline.
Comment: This sequence change replaces proline, which is neutral and non-polar, with serine, which is neutral and polar, at codon 2337 of the COL7A1 protein (p.Pro2337Ser). This variant is present in population databases (rs760943829, gnomAD 0.0009%). This variant has not been reported in the literature in individuals affected with COL7A1-related conditions. ClinVar contains an entry for this variant (Variation ID: 4005585). Invitae Evidence Modeling of protein sequence and biophysical properties (such as structural, functional, and spatial information, amino acid conservation, physicochemical variation, residue mobility, and thermodynamic stability) has been performed for this missense variant. However, the output from this modeling did not meet the statistical confidence thresholds required to predict the impact of this variant on COL7A1 protein function. In summary, the available evidence is currently insufficient to determine the role of this variant in disease. Therefore, it has been classified as a Variant of Uncertain Significance.

Ambry Genetics
Classification: Uncertain significance for Inborn genetic diseases. Last evaluated: 2025-03-27. Review status: criteria provided, single submitter. Criteria: Ambry Variant Classification Scheme 2023. Collection method: clinical testing. Allele origin: germline.